The following is an entry in ClinVar:

ClinVar aggregate classification (germline): Uncertain significance (1 of 4 stars; one submission).

Conditions:
Argininosuccinate lyase deficiency. Also called: ARGININOSUCCINIC ACID LYASE DEFICIENCY; ASL DEFICIENCY; Argininosuccinic aciduria. Identifiers: Orphanet 23, MedGen C0268547, MONDO:0008815, OMIM 207900, HP:0025630.

gnomAD v4.1: 5 of 1,613,532 alleles (0.00031%); highest among the groups gnomAD compares: African/African-American, 0.0013%; no homozygotes.

Submission:

Labcorp Genetics (formerly Invitae), Labcorp
Classification: Uncertain significance for Argininosuccinate lyase deficiency. Last evaluated: 2022-09-07. Review status: criteria provided, single submitter. Criteria: Invitae Variant Classification Sherloc (09022015). Collection method: clinical testing. Allele origin: germline.
Comment: In summary, the available evidence is currently insufficient to determine the role of this variant in disease. Therefore, it has been classified as a Variant of Uncertain Significance. Algorithms developed to predict the effect of missense changes on protein structure and function are either unavailable or do not agree on the potential impact of this missense change (SIFT: "Tolerated"; PolyPhen-2: "Probably Damaging"; Align-GVGD: "Class C0"). This variant has not been reported in the literature in individuals affected with ASL-related conditions. This variant is present in population databases (rs748203708, gnomAD 0.007%). This sequence change replaces serine, which is neutral and polar, with tryptophan, which is neutral and slightly polar, at codon 133 of the ASL protein (p.Ser133Trp).

NM_000048.4(ASL):c.398C>G (p.Ser133Trp)

Gene: ASL (argininosuccinate lyase; plus strand). Cytogenetic location: 7q11.21.
Variant type: single nucleotide variant.
Coding change: c.398C>G on transcript NM_000048.4 (MANE Select); coding-DNA position 398, C replaced by G.
Protein change: p.Ser133Trp; replaces serine 133 with tryptophan.
Molecular consequence: missense variant.
Genome position (GRCh38, 1-based): chr7:66,083,126, C>G. VCF-style: chr7-66083126-C-G. GRCh37 (hg19) VCF-style: chr7-65548113-C-G.
Other names: c.398C>G, p.Ser133Trp (NM_001024943.2, NM_001024944.2, NM_001024946.2); short protein forms S133W.
Identifiers: ClinVar variation 2004734 (VCV002004734.4), dbSNP rs748203708, ClinGen allele CA4276942.